The following is an entry in ClinVar:

ClinVar aggregate classification (germline): Uncertain significance (1 of 4 stars; one submission).

Allele frequency attached by ClinVar (database versions not stated): gnomAD exomes below 0.00001; TOPMed below 0.00001.
gnomAD v4.1: 2 of 1,613,744 alleles (0.00012%); highest among the groups gnomAD compares: Non-Finnish European, 0.00017%; no homozygotes.

Submission:

Labcorp Genetics (formerly Invitae), Labcorp
Classification: Uncertain significance. Last evaluated: 2022-08-31. Review status: criteria provided, single submitter. Criteria: Invitae Variant Classification Sherloc (09022015). Collection method: clinical testing. Allele origin: germline.
Comment: In summary, the available evidence is currently insufficient to determine the role of this variant in disease. Therefore, it has been classified as a Variant of Uncertain Significance. Algorithms developed to predict the effect of missense changes on protein structure and function (SIFT, PolyPhen-2, Align-GVGD) all suggest that this variant is likely to be tolerated. This variant has not been reported in the literature in individuals affected with MYO3A-related conditions. This variant is not present in population databases (gnomAD no frequency). This sequence change replaces serine, which is neutral and polar, with isoleucine, which is neutral and non-polar, at codon 1555 of the MYO3A protein (p.Ser1555Ile).

NM_017433.5(MYO3A):c.4664G>T (p.Ser1555Ile)

Gene: MYO3A (myosin IIIA; plus strand). Cytogenetic location: 10p12.1.
Variant type: single nucleotide variant.
Coding change: c.4664G>T on transcript NM_017433.5 (MANE Select); coding-DNA position 4664, G replaced by T.
Protein change: p.Ser1555Ile; replaces serine 1555 with isoleucine.
Molecular consequence: missense variant.
Genome position (GRCh38, 1-based): chr10:26,203,041, G>T. VCF-style: chr10-26203041-G-T. GRCh37 (hg19) VCF-style: chr10-26491970-G-T.
Other names: short protein forms S1555I.
Identifiers: ClinVar variation 2126774 (VCV002126774.4), dbSNP rs1274668511, ClinGen allele CA376339697.
Genomic context (GRCh38, chr10:26,203,041, plus strand): 5'-ATTTGGAAGATTTCTATTATAAGGAATTTTTGCCCAGTCGTTCTGGACCAAAGGAACATA[G>T]CCCTAGTTTAAGAGAACGAAGACCACAGCAAGAACTCCAGAATCAATGTATTAAGGCTAA-3'
Protein context (NP_059129.3, residues 1545-1565): LPSRSGPKEH[Ser1555Ile]PSLRERRPQQ